The following is an entry in ClinVar:

ClinVar aggregate classification (germline): Uncertain significance. Review status: criteria provided, multiple submitters, no conflicts (2 of 4 stars). 2 submissions from 2 submitters: Uncertain significance (2). Last evaluated 2025-10-05.

Conditions:
Familial thoracic aortic aneurysm and aortic dissection (TAAD). Also called: Thoracic aortic aneurysms and dissections. Identifiers: Orphanet 91387, MedGen C4707243, MONDO:0019625.
Aortic aneurysm, familial thoracic 7 (AAT7). Also called: AORTIC DISSECTION, FAMILIAL, WITH OR WITHOUT AORTIC ANEURYSM. Identifiers: MedGen C3151077, MONDO:0013418, OMIM 613780.

Allele frequency attached by ClinVar (database versions not stated): gnomAD 0.00001; TOPMed 0.00002.
gnomAD v4.1: 3 of 1,610,304 alleles (0.00019%); highest among the groups gnomAD compares: African/African-American, 0.004%; no homozygotes.

Submissions (2):

Ambry Genetics
Classification: Uncertain significance for Familial thoracic aortic aneurysm and aortic dissection. Last evaluated: 2025-10-05. Review status: criteria provided, single submitter. Criteria: Ambry Variant Classification Scheme 2023. Collection method: clinical testing. Allele origin: germline.
Comment: The p.Q301K variant (also known as c.901C>A), located in coding exon 7 of the MYLK gene, results from a C to A substitution at nucleotide position 901. The glutamine at codon 301 is replaced by lysine, an amino acid with similar properties. This amino acid position is conserved. In addition, this alteration is predicted to be tolerated by in silico analysis. Based on the available evidence, the clinical significance of this variant remains unclear.

Labcorp Genetics (formerly Invitae), Labcorp
Classification: Uncertain significance for Aortic aneurysm, familial thoracic 7. Last evaluated: 2025-08-25. Review status: criteria provided, single submitter. Criteria: Invitae Variant Classification Sherloc (09022015). Collection method: clinical testing. Allele origin: germline.
Comment: This sequence change replaces glutamine, which is neutral and polar, with lysine, which is basic and polar, at codon 301 of the MYLK protein (p.Gln301Lys). This variant is present in population databases (no rsID available, gnomAD 0.01%). This missense change has been observed in individual(s) with MYLK-related conditions (internal data). ClinVar contains an entry for this variant (Variation ID: 574914). Invitae Evidence Modeling of protein sequence and biophysical properties (such as structural, functional, and spatial information, amino acid conservation, physicochemical variation, residue mobility, and thermodynamic stability) indicates that this missense variant is not expected to disrupt MYLK protein function with a negative predictive value of 95%. In summary, the available evidence is currently insufficient to determine the role of this variant in disease. Therefore, it has been classified as a Variant of Uncertain Significance.

NM_053025.4(MYLK):c.901C>A (p.Gln301Lys)

Gene: MYLK (myosin light chain kinase; minus strand). Cytogenetic location: 3q21.1.
Variant type: single nucleotide variant.
Coding change: c.901C>A on transcript NM_053025.4 (MANE Select); coding-DNA position 901, C replaced by A.
Protein change: p.Gln301Lys; replaces glutamine 301 with lysine.
Molecular consequence: missense variant.
Genome position (GRCh38, 1-based): chr3:123,734,095, G>T on the plus strand (C>A on the coding strand, the complement: MYLK is on the minus strand). VCF-style: chr3-123734095-G-T. GRCh37 (hg19) VCF-style: chr3-123452942-G-T.
Other names: c.373C>A, p.Gln125Lys (NM_001321309.2); c.901C>A, p.Gln301Lys (NM_053026.4, NM_053027.4, NM_053028.4); short protein forms Q301K, Q125K.
Identifiers: ClinVar variation 574914 (VCV000574914.11), dbSNP rs545515041, ClinGen allele CA354239907.